The following is an entry in ClinVar:

ClinVar aggregate classification (germline): Uncertain significance (1 of 4 stars; one submission).

Allele frequency attached by ClinVar (database versions not stated): ExAC 0.00001; gnomAD exomes 0.00002; gnomAD 0.00003; ESP Exome Variant Server 0.00008; 1000 Genomes Project 0.00020; TOPMed 0.00005; 1000 Genomes Project 30x 0.00031.
gnomAD v4.1: 26 of 1,613,136 alleles (0.0016%); highest among the groups gnomAD compares: African/African-American, 0.012%; no homozygotes.

Submission:

Labcorp Genetics (formerly Invitae), Labcorp
Classification: Uncertain significance. Last evaluated: 2025-11-21. Review status: criteria provided, single submitter. Criteria: Invitae Variant Classification Sherloc (09022015). Collection method: clinical testing. Allele origin: germline.
Comment: This sequence change replaces aspartic acid, which is acidic and polar, with asparagine, which is neutral and polar, at codon 349 of the MKL1 protein (p.Asp349Asn). The frequency data for this variant in the population databases is considered unreliable, as metrics indicate poor data quality at this position in the gnomAD database. This variant has not been reported in the literature in individuals affected with MKL1-related conditions. ClinVar contains an entry for this variant (Variation ID: 2738361). An algorithm developed to predict the effect of missense changes on protein structure and function (PolyPhen-2) suggests that this variant is likely to be disruptive. In summary, the available evidence is currently insufficient to determine the role of this variant in disease. Therefore, it has been classified as a Variant of Uncertain Significance.

NM_020831.6(MRTFA):c.1345G>A (p.Asp449Asn)

Gene: MRTFA (myocardin related transcription factor A; minus strand). Cytogenetic location: 22q13.1.
Variant type: single nucleotide variant.
Coding change: c.1345G>A on transcript NM_020831.6 (MANE Select); coding-DNA position 1345, G replaced by A.
Protein change: p.Asp449Asn; replaces aspartic acid 449 with asparagine.
Molecular consequence: missense variant.
Genome position (GRCh38, 1-based): chr22:40,420,413, C>T on the plus strand (G>A on the coding strand, the complement: MRTFA is on the minus strand). VCF-style: chr22-40420413-C-T. GRCh37 (hg19) VCF-style: chr22-40816417-C-T.
Other names: c.1045G>A, p.Asp349Asn (NM_001282660.2); c.1195G>A, p.Asp399Asn (NM_001282661.3); c.1345G>A, p.Asp449Asn (NM_001282662.3); c.1150G>A, p.Asp384Asn (NM_001318139.2); short protein forms D399N, D449N, D349N, D384N.
Identifiers: ClinVar variation 2738361 (VCV002738361.3), dbSNP rs140708564, ClinGen allele CA10249699.